The following is an entry in ClinVar:

ClinVar aggregate classification (germline): Uncertain significance (1 of 4 stars; one submission).

Conditions:
Familial hypobetalipoproteinemia 1. Also called: APOB-Related Familial Hypobetalipoproteinemia; Hypobetalipoproteinemia, normotriglyceridemic; Acanthocytosis with hypobetalipoproteinemia. Identifiers: MedGen C4551990, MONDO:0014252, OMIM 615558.
Hypercholesterolemia, autosomal dominant, type B (FHCL2). Also called: APOB-Related Familial Hypercholesterolemia, Autosomal Dominant; Familial hypercholesterolemia 2; Familial Hypercholesterolemia Type B; APOLIPOPROTEIN B-100, FAMILIAL DEFECTIVE; APOLIPOPROTEIN B-100, FAMILIAL LIGAND-DEFECTIVE; HYPERCHOLESTEROLEMIA, FAMILIAL, DUE TO LIGAND-DEFECTIVE APOLIPOPROTEIN B. Identifiers: MedGen C1704417, MONDO:0007751, OMIM 144010.

Submission:

Labcorp Genetics (formerly Invitae), Labcorp
Classification: Uncertain significance for Familial hypobetalipoproteinemia 1; Hypercholesterolemia, autosomal dominant, type B. Last evaluated: 2025-02-12. Review status: criteria provided, single submitter. Criteria: Invitae Variant Classification Sherloc (09022015). Collection method: clinical testing. Allele origin: germline.
Comment: This sequence change falls in intron 28 of the APOB gene. It does not directly change the encoded amino acid sequence of the APOB protein. It affects a nucleotide within the consensus splice site. This variant is not present in population databases (gnomAD no frequency). This variant has not been reported in the literature in individuals affected with APOB-related conditions. Variants that disrupt the consensus splice site are a relatively common cause of aberrant splicing (PMID: 17576681, 9536098). Algorithms developed to predict the effect of sequence changes on RNA splicing suggest that this variant may disrupt the consensus splice site. In summary, the available evidence is currently insufficient to determine the role of this variant in disease. Therefore, it has been classified as a Variant of Uncertain Significance.

Literature cited by the submitters: PubMed 17576681; PubMed 9536098.

NM_000384.3(APOB):c.12088-3T>G

Gene: APOB (apolipoprotein B; minus strand). Cytogenetic location: 2p24.1.
Variant type: single nucleotide variant.
Coding change: c.12088-3T>G on transcript NM_000384.3 (MANE Select); 3 bases into the intron before coding-DNA position 12088, T replaced by G.
Molecular consequence: intron variant.
Genome position (GRCh38, 1-based): chr2:21,003,337, A>C on the plus strand (T>G on the coding strand, the complement: APOB is on the minus strand). VCF-style: chr2-21003337-A-C. GRCh37 (hg19) VCF-style: chr2-21226209-A-C.
Identifiers: ClinVar variation 4784140 (VCV004784140.1).